The following is an entry in ClinVar:

ClinVar aggregate classification (germline): Uncertain significance (1 of 4 stars; one submission).

Allele frequency attached by ClinVar (database versions not stated): gnomAD exomes below 0.00001; ExAC 0.00001; gnomAD 0.00001; TOPMed 0.00001.
gnomAD v4.1: 2 of 1,604,828 alleles (0.00012%); highest among the groups gnomAD compares: Admixed American, 0.0017%; no homozygotes.

Submission:

Ambry Genetics
Classification: Uncertain significance. Last evaluated: 2023-10-16. Review status: criteria provided, single submitter. Criteria: Ambry Variant Classification Scheme 2023. Collection method: clinical testing. Allele origin: germline.
Comment: The p.S174N variant (also known as c.521G>A), located in coding exon 6 of the NQO1 gene, results from a G to A substitution at nucleotide position 521. The serine at codon 174 is replaced by asparagine, an amino acid with highly similar properties. This amino acid position is conserved. In addition, this alteration is predicted to be tolerated by in silico analysis. Since supporting evidence is limited at this time, the clinical significance of this alteration remains unclear.

NM_000903.3(NQO1):c.521G>A (p.Ser174Asn)

Gene: NQO1 (NAD(P)H quinone dehydrogenase 1; minus strand). Cytogenetic location: 16q22.1.
Variant type: single nucleotide variant.
Coding change: c.521G>A on transcript NM_000903.3 (MANE Select); coding-DNA position 521, G replaced by A.
Protein change: p.Ser174Asn; replaces serine 174 with asparagine.
Molecular consequence: missense variant.
Genome position (GRCh38, 1-based): chr16:69,711,280, C>T on the plus strand (G>A on the coding strand, the complement: NQO1 is on the minus strand). VCF-style: chr16-69711280-C-T. GRCh37 (hg19) VCF-style: chr16-69745183-C-T.
Other names: c.419G>A, p.Ser140Asn (NM_001025433.2); c.407G>A, p.Ser136Asn (NM_001025434.2); c.305G>A, p.Ser102Asn (NM_001286137.2); short protein forms S140N, S174N, S102N, S136N.
Identifiers: ClinVar variation 1746156 (VCV001746156.2), dbSNP rs760060024, ClinGen allele CA8136170.